The following is an entry in ClinVar:

NM_005051.3(QARS1):c.703+6T>C

Gene: QARS1 (glutaminyl-tRNA synthetase 1; minus strand). Cytogenetic location: 3p21.31.
Variant type: single nucleotide variant.
Coding change: c.703+6T>C on transcript NM_005051.3 (MANE Select); 6 bases into the intron after coding-DNA position 703, T replaced by C.
Molecular consequence: intron variant.
Genome position (GRCh38, 1-based): chr3:49,101,822, A>G on the plus strand (T>C on the coding strand, the complement: QARS1 is on the minus strand). VCF-style: chr3-49101822-A-G. GRCh37 (hg19) VCF-style: chr3-49139255-A-G.
Other names: c.670+6T>C (NM_001272073.2).
Identifiers: ClinVar variation 2909405 (VCV002909405.1), dbSNP rs372576335, ClinGen allele CA2392055.

ClinVar aggregate classification (germline): Uncertain significance (1 of 4 stars; one submission).

Conditions:
Diffuse cerebral and cerebellar atrophy - intractable seizures - progressive microcephaly syndrome. Also called: Microcephaly, progressive, with seizures and cerebral and cerebellar atrophy. Identifiers: Orphanet 404437, MedGen C4014239, MONDO:0014335, OMIM 615760.

Allele frequency attached by ClinVar (database versions not stated): gnomAD 0.00001; ExAC 0.00003; gnomAD exomes 0.00003; ESP Exome Variant Server 0.00008.
gnomAD v4.1: 38 of 1,611,594 alleles (0.0024%); highest among the groups gnomAD compares: Non-Finnish European, 0.0031%; no homozygotes.

Submission:

Labcorp Genetics (formerly Invitae), Labcorp
Classification: Uncertain significance for Diffuse cerebral and cerebellar atrophy - intractable seizures - progressive microcephaly syndrome. Last evaluated: 2023-06-15. Review status: criteria provided, single submitter. Criteria: Invitae Variant Classification Sherloc (09022015). Collection method: clinical testing. Allele origin: germline.
Comment: In summary, the available evidence is currently insufficient to determine the role of this variant in disease. Therefore, it has been classified as a Variant of Uncertain Significance. Variants that disrupt the consensus splice site are a relatively common cause of aberrant splicing (PMID: 17576681, 9536098). Algorithms developed to predict the effect of sequence changes on RNA splicing suggest that this variant may create or strengthen a splice site. This variant has not been reported in the literature in individuals affected with QARS-related conditions. This variant is present in population databases (rs372576335, gnomAD 0.006%). This sequence change falls in intron 8 of the QARS gene. It does not directly change the encoded amino acid sequence of the QARS protein. It affects a nucleotide within the consensus splice site.

Literature cited by the submitters: PubMed 17576681; PubMed 9536098.